The following is an entry in ClinVar:

NM_001298.3(CNGA3):c.1720T>C (p.Ser574Pro)

Gene: CNGA3 (cyclic nucleotide gated channel subunit alpha 3; plus strand). Cytogenetic location: 2q11.2.
Variant type: single nucleotide variant.
Coding change: c.1720T>C on transcript NM_001298.3 (MANE Select); coding-DNA position 1720, T replaced by C.
Protein change: p.Ser574Pro; replaces serine 574 with proline.
Molecular consequence: missense variant.
Genome position (GRCh38, 1-based): chr2:98,396,890, T>C. VCF-style: chr2-98396890-T-C. GRCh37 (hg19) VCF-style: chr2-99013353-T-C.
Other names: c.1666T>C, p.Ser556Pro (NM_001079878.2); short protein forms S556P, S574P.
Identifiers: ClinVar variation 4280063 (VCV004280063.1).
Genomic context (GRCh38, chr2:98,396,890, plus strand): 5'-AACATCAAGGGGAGCAAGTCGGGGAACCGCAGGACGGCCAACATCCGCAGCATTGGCTAC[T>C]CAGACCTGTTCTGCCTCTCAAAGGACGATCTCATGGAGGCCCTCACCGAGTACCCCGAAG-3'
Protein context (NP_001289.1, residues 564-584): RTANIRSIGY[Ser574Pro]DLFCLSKDDL

ClinVar aggregate classification (germline): Uncertain significance (1 of 4 stars; one submission).

Conditions:
Retinal disorder. Also called: Retinopathy; Retinopathies; Retinal Diseases; Retinal disorders. Identifiers: MedGen C0035309, MONDO:0005283, HP:0000488.

gnomAD v4.1: 5 of 1,614,168 alleles (0.00031%); highest among the groups gnomAD compares: Non-Finnish European, 0.00042%; no homozygotes.

Submission:

Genetics Laboratory, Great Ormond Street Hospital NHS Foundation Trust, North Thames Genomic Laboratory Hub
Classification: Uncertain significance for Retinal disorders. Last evaluated: 2025-08-15. Review status: criteria provided, single submitter. Criteria: ACGS Best Practice Guidelines for Variant Classification in Rare Disease 2024 v1.2. Collection method: clinical testing. Allele origin: germline. Affected: yes.
Comment: PM2_moderate, PP3_supporting, PM3_supporting